The following is an entry in ClinVar:

ClinVar aggregate classification (germline): Uncertain significance (1 of 4 stars; one submission).

Conditions:
Early-infantile DEE. Also called: Ohtahara syndrome; Early infantile epileptic encephalopathy; Early infantile epileptic encephalopathy with suppression bursts. Identifiers: Orphanet 1934, MedGen C0393706, MONDO:0800491.

Allele frequency attached by ClinVar (database versions not stated): TOPMed 0.00001.
gnomAD v4.1: 4 of 1,614,154 alleles (0.00025%); highest among the groups gnomAD compares: African/African-American, 0.0027%; no homozygotes.

Submission:

Labcorp Genetics (formerly Invitae), Labcorp
Classification: Uncertain significance for Early-infantile DEE. Last evaluated: 2021-01-31. Review status: criteria provided, single submitter. Criteria: Invitae Variant Classification Sherloc (09022015). Collection method: clinical testing. Allele origin: germline.
Comment: In summary, the available evidence is currently insufficient to determine the role of this variant in disease. Therefore, it has been classified as a Variant of Uncertain Significance. Advanced modeling of protein sequence and biophysical properties (such as structural, functional, and spatial information, amino acid conservation, physicochemical variation, residue mobility, and thermodynamic stability) performed at Invitae indicates that this missense variant is not expected to disrupt KCNH5 protein function. This variant has not been reported in the literature in individuals with KCNH5-related conditions. This variant is not present in population databases (ExAC no frequency). This sequence change replaces valine with isoleucine at codon 544 of the KCNH5 protein (p.Val544Ile). The valine residue is highly conserved and there is a small physicochemical difference between valine and isoleucine.

NM_139318.5(KCNH5):c.1630G>A (p.Val544Ile)

Gene: KCNH5 (potassium voltage-gated channel subfamily H member 5; minus strand). Cytogenetic location: 14q23.2.
Variant type: single nucleotide variant.
Coding change: c.1630G>A on transcript NM_139318.5 (MANE Select); coding-DNA position 1630, G replaced by A.
Protein change: p.Val544Ile; replaces valine 544 with isoleucine.
Molecular consequence: missense variant.
Genome position (GRCh38, 1-based): chr14:62,802,521, C>T on the plus strand (G>A on the coding strand, the complement: KCNH5 is on the minus strand). VCF-style: chr14-62802521-C-T. GRCh37 (hg19) VCF-style: chr14-63269239-C-T.
Other names: c.1630G>A, p.Val544Ile (NM_172375.3); short protein forms V544I.
Identifiers: ClinVar variation 1494706 (VCV001494706.9), dbSNP rs1453474750, ClinGen allele CA390101975.